The following is an entry in ClinVar:

ClinVar aggregate classification (germline): Likely pathogenic (1 of 4 stars; one submission).

Conditions:
BRWD3-related disorder. Also called: BRWD3-related condition.

Submission:

PreventionGenetics, part of Exact Sciences
Classification: Likely pathogenic for BRWD3-related condition. Last evaluated: 2026-09-23. Review status: criteria provided, single submitter. Criteria: ACMG Guidelines, 2015. Collection method: clinical testing. Allele origin: germline.
Comment: The BRWD3 c.1521+1dupG variant is predicted to result in a duplication affecting a canonical splice site. To our knowledge, this variant has not been reported in the literature or in a large population database (gnomAD), indicating it is rare. It is expected to disrupt the consensus splice dinucleotide resulting in aberrant RNA splicing and a disrupted protein product. This variant is interpreted as likely pathogenic.

NM_153252.5(BRWD3):c.1521+1dup

Gene: BRWD3 (bromodomain and WD repeat domain containing 3; minus strand). Cytogenetic location: Xq21.1.
Variant type: Duplication.
Coding change: c.1521+1dup on transcript NM_153252.5 (MANE Select); the canonical splice donor site of the intron after coding-DNA position 1521, one base duplicated (G; older notation c.1521+1dupG).
Molecular consequence: splice donor variant.
Genome position (GRCh38, 1-based): chrX:80,724,932, C duplicated on the plus strand (G on the coding strand, the reverse complement: BRWD3 is on the minus strand); the first of 2 consecutive C bases (chrX:80,724,932-80,724,933); duplicating either gives the same sequence. VCF-style (leftmost placement, unchanged base first): chrX-80724931-A-AC. GRCh37 (hg19) VCF-style: chrX-79980430-A-AC.
Other names: c.1521+1dup (NM_001441339.1).
Identifiers: ClinVar variation 4994396 (VCV004994396.1).